The following is an entry in ClinVar:

NM_003611.3(OFD1):c.1512G>A (p.Arg504=)

Gene: OFD1 (OFD1 centriole and centriolar satellite protein; plus strand). Cytogenetic location: Xp22.2.
Variant type: single nucleotide variant.
Coding change: c.1512G>A on transcript NM_003611.3 (MANE Select); coding-DNA position 1512, G replaced by A.
Protein change: p.Arg504=; no amino-acid change (arginine 504 retained).
Molecular consequence: synonymous variant.
Genome position (GRCh38, 1-based): chrX:13,757,760, G>A. VCF-style: chrX-13757760-G-A. GRCh37 (hg19) VCF-style: chrX-13775879-G-A.
Other names: c.1092G>A, p.Arg364= (NM_001330210.2); c.1392G>A, p.Arg464= (NM_001330209.2).
Identifiers: ClinVar variation 3239250 (VCV003239250.19), dbSNP rs2518918887.

ClinVar aggregate classification (germline): Likely benign (1 of 4 stars; one submission).

Submission:

CeGaT Center for Human Genetics Tuebingen
Classification: Likely benign. Last evaluated: 2024-05-01. Review status: criteria provided, single submitter. Criteria: CeGaT Center For Human Genetics Tuebingen Variant Classification Criteria Version 2. Collection method: clinical testing. Allele origin: germline. Affected: yes. Observed: 2 variant alleles.
Comment: OFD1: PM2:Supporting, BP4, BP7